The following is an entry in ClinVar:

NM_001206927.2(DNAH8):c.14021G>C (p.Arg4674Thr)

Gene: DNAH8 (dynein axonemal heavy chain 8; plus strand). Cytogenetic location: 6p21.2.
Variant type: single nucleotide variant.
Coding change: c.14021G>C on transcript NM_001206927.2 (MANE Select); coding-DNA position 14021, G replaced by C.
Protein change: p.Arg4674Thr; replaces arginine 4674 with threonine.
Molecular consequence: missense variant.
Genome position (GRCh38, 1-based): chr6:39,030,289, G>C. VCF-style: chr6-39030289-G-C. GRCh37 (hg19) VCF-style: chr6-38998065-G-C.
Other names: c.13370G>C, p.Arg4457Thr (NM_001371.4); short protein forms R4457T, R4674T.
Identifiers: ClinVar variation 1060464 (VCV001060464.9), dbSNP rs774150212, ClinGen allele CA3791843.

ClinVar aggregate classification (germline): Uncertain significance (1 of 4 stars; one submission).

Conditions:
Primary ciliary dyskinesia. Also called: Ciliary dyskinesia. Identifiers: Orphanet 244, MedGen C0008780, MONDO:0016575, HP:0012265.

Allele frequency attached by ClinVar (database versions not stated): gnomAD exomes 0.00002 and 0.00001; ExAC 0.00001; gnomAD 0.00001; TOPMed 0.00001.
gnomAD v4.1: 26 of 1,613,972 alleles (0.0016%); highest among the groups gnomAD compares: Non-Finnish European, 0.0021%; no homozygotes.

Submission:

Labcorp Genetics (formerly Invitae), Labcorp
Classification: Uncertain significance for Primary ciliary dyskinesia. Last evaluated: 2024-04-08. Review status: criteria provided, single submitter. Criteria: Invitae Variant Classification Sherloc (09022015). Collection method: clinical testing. Allele origin: germline.
Comment: This sequence change replaces arginine, which is basic and polar, with threonine, which is neutral and polar, at codon 4674 of the DNAH8 protein (p.Arg4674Thr). This variant is present in population databases (rs774150212, gnomAD 0.003%). This missense change has been observed in individuals with clinical features of primary ciliary dyskinesia (Invitae). ClinVar contains an entry for this variant (Variation ID: 1060464). Advanced modeling of protein sequence and biophysical properties (such as structural, functional, and spatial information, amino acid conservation, physicochemical variation, residue mobility, and thermodynamic stability) performed at Invitae indicates that this missense variant is not expected to disrupt DNAH8 protein function with a negative predictive value of 80%. In summary, the available evidence is currently insufficient to determine the role of this variant in disease. Therefore, it has been classified as a Variant of Uncertain Significance.